The following is an entry in ClinVar:

ClinVar aggregate classification (germline): Pathogenic (1 of 4 stars; one submission).

Conditions:
Alstrom syndrome (ALMS). Identifiers: Orphanet 64, MedGen C0268425, MONDO:0008763, OMIM 203800.

Submission:

Labcorp Genetics (formerly Invitae), Labcorp
Classification: Pathogenic for Alstrom syndrome. Last evaluated: 2024-02-01. Review status: criteria provided, single submitter. Criteria: Invitae Variant Classification Sherloc (09022015). Collection method: clinical testing. Allele origin: germline.
Comment: This sequence change creates a premature translational stop signal (p.Pro3726Valfs*5) in the ALMS1 gene. It is expected to result in an absent or disrupted protein product. Loss-of-function variants in ALMS1 are known to be pathogenic (PMID: 17594715). This variant is not present in population databases (gnomAD no frequency). This variant has not been reported in the literature in individuals affected with ALMS1-related conditions. For these reasons, this variant has been classified as Pathogenic.

Literature cited by the submitters: PubMed 17594715.

NM_001378454.1(ALMS1):c.11173_11176del (p.Pro3725fs)

Gene: ALMS1 (ALMS1 centrosome and basal body associated protein; plus strand). Cytogenetic location: 2p13.1.
Variant type: Deletion.
Coding change: c.11173_11176del on transcript NM_001378454.1 (MANE Select); coding-DNA positions 11173 to 11176, 4 bases deleted (CCAG; older notation c.11173_11176delCCAG).
Protein change: p.Pro3725fs; shifts the reading frame from proline 3725.
Molecular consequence: frameshift variant.
Genome position (GRCh38, 1-based): chr2:73,573,050-73,573,053, CCAG deleted; deleting any 4 consecutive bases within chr2:73,573,047-73,573,053 gives the same sequence; the c. name uses the placement nearest the transcript's 3' end. VCF-style (leftmost placement, unchanged base first): chr2-73573046-ACAGC-A. GRCh37 (hg19) VCF-style: chr2-73800173-ACAGC-A.
Other names: c.11176_11179del, p.Pro3726fs (NM_015120.4); short protein forms P3725fs, P3726fs.
Identifiers: ClinVar variation 3638079 (VCV003638079.2).
Genomic context (GRCh38, chr2:73,573,046, plus strand): 5'-TGGGAGGTCTAATCAAATTAAAATTGAACAGATTAAATTTGATAAATATATTCTGAGTAA[ACAGC>A]CAGGTTTTAATTATATAAGCAACACTTCTTCGGATTGTCGGCCCTCAGAGGAGAGTGAGC-3'